The following is an entry in ClinVar:

ClinVar aggregate classification (germline): Likely pathogenic (1 of 4 stars; one submission).

Conditions:
Ellis-van Creveld syndrome (EVC). Also called: Chondroectodermal dysplasia; EVC-Related Ellis-van Creveld Syndrome; EVC2-Related Ellis-van Creveld Syndrome; MESOECTODERMAL DYSPLASIA. Identifiers: Orphanet 289, MedGen C0013903, MONDO:0009162, OMIM 225500.

Submission:

Natera, Inc.
Classification: Likely pathogenic for Ellis-van Creveld syndrome. Last evaluated: 2024-08-11. Review status: criteria provided, single submitter. Criteria: Natera Variant Classification Schema (03/2026). Collection method: clinical testing. Allele origin: germline.
Comment: The c.2802_2803delinsG variant in EVC is a frameshift variant predicted to shift the reading frame beginning at codon 935 and leads to a stop codon 35 codons downstream. This variant is expected to result in nonsense mediated decay, truncation, or a dysfunctional protein product. This variant is rare in the general population with a frequency below the threshold expected for the associated phenotype(s). Given the available evidence, this variant is classified as Likely Pathogenic.

NM_153717.3(EVC):c.2802_2803delinsG (p.Arg935fs)

Gene: EVC (EvC ciliary complex subunit 1; plus strand). Cytogenetic location: 4p16.2.
Variant type: Indel.
Coding change: c.2802_2803delinsG on transcript NM_153717.3 (MANE Select); coding-DNA positions 2802 to 2803, AA replaced by G.
Protein change: p.Arg935fs; shifts the reading frame from arginine 935.
Molecular consequence: frameshift variant.
Genome position (GRCh38, 1-based): chr4:5,810,358-5,810,359, AA replaced by G. VCF-style: chr4-5810358-AA-G. GRCh37 (hg19) VCF-style: chr4-5812085-AA-G.
Other names: c.2802_2803delinsG, p.Arg935fs (NM_001306090.2); short protein forms R935fs.
Identifiers: ClinVar variation 4816939 (VCV004816939.1).